The following is an entry in ClinVar:

NM_000051.4(ATM):c.871del (p.His291fs)

Gene: ATM (ATM serine/threonine kinase; plus strand). Cytogenetic location: 11q22.3.
Variant type: Deletion.
Coding change: c.871del on transcript NM_000051.4 (MANE Select); coding-DNA position 871, one base deleted (C; older notation c.871delC).
Protein change: p.His291fs; shifts the reading frame from histidine 291.
Molecular consequence: frameshift variant.
Genome position (GRCh38, 1-based): chr11:108,244,996, C deleted. VCF-style (leftmost placement, unchanged base first): chr11-108244995-TC-T. GRCh37 (hg19) VCF-style: chr11-108115722-TC-T.
Other names: c.871del, p.His291fs (NM_001351834.2); short protein forms H291fs.
Identifiers: ClinVar variation 2111025 (VCV002111025.6), dbSNP rs2497154789, ClinGen allele CA2580082968.

ClinVar aggregate classification (germline): Pathogenic. Review status: criteria provided, multiple submitters, no conflicts (2 of 4 stars). 2 submissions from 2 submitters: Pathogenic (2). Last evaluated 2023-08-17.

Conditions:
Hereditary cancer-predisposing syndrome. Also called: Tumor predisposition; Hereditary Cancer Syndrome; Neoplastic Syndromes, Hereditary; Hereditary neoplastic syndrome. Identifiers: Orphanet 140162, MedGen C0027672, MeSH D009386, MONDO:0015356.
Ataxia-telangiectasia syndrome (AT). Also called: Ataxia-telangiectasia; AT, COMPLEMENTATION GROUP C; ATAXIA-TELANGIECTASIA, COMPLEMENTATION GROUP A; ATAXIA-TELANGIECTASIA, FRESNO VARIANT; Ataxia-telangiectasia, complementation group E; LOUIS-BAR SYNDROME. Identifiers: Orphanet 100, MedGen C0004135, MONDO:0008840, OMIM 208900.

Submissions (2):

Labcorp Genetics (formerly Invitae), Labcorp
Classification: Pathogenic for Ataxia-telangiectasia syndrome. Last evaluated: 2023-08-17. Review status: criteria provided, single submitter. Criteria: Invitae Variant Classification Sherloc (09022015). Collection method: clinical testing. Allele origin: germline.
Comment: This variant is not present in population databases (gnomAD no frequency). This sequence change creates a premature translational stop signal (p.His291Ilefs*29) in the ATM gene. It is expected to result in an absent or disrupted protein product. Loss-of-function variants in ATM are known to be pathogenic (PMID: 23807571, 25614872). This variant has not been reported in the literature in individuals affected with ATM-related conditions. ClinVar contains an entry for this variant (Variation ID: 2111025). For these reasons, this variant has been classified as Pathogenic.

Ambry Genetics
Classification: Pathogenic for Hereditary cancer-predisposing syndrome. Last evaluated: 2023-03-29. Review status: criteria provided, single submitter. Criteria: Ambry Variant Classification Scheme 2023. Collection method: clinical testing. Allele origin: germline.
Comment: The c.871delC variant, located in coding exon 6 of the ATM gene, results from a deletion of one nucleotide at nucleotide position 871, causing a translational frameshift with a predicted alternate stop codon (p.H291Ifs*29). This alteration is expected to result in loss of function by premature protein truncation or nonsense-mediated mRNA decay. As such, this alteration is interpreted as a disease-causing mutation.

Literature cited by the submitters: PubMed 23807571 (cited by Labcorp Genetics (formerly Invitae), Labcorp); PubMed 25614872 (cited by Labcorp Genetics (formerly Invitae), Labcorp).